The following is an entry in ClinVar:

ClinVar aggregate classification (germline): Uncertain significance (1 of 4 stars; one submission).

Conditions:
Inborn genetic diseases. Identifiers: MedGen C0950123, MeSH D030342.

Submission:

Ambry Genetics
Classification: Uncertain significance for Inborn genetic diseases. Last evaluated: 2025-06-28. Review status: criteria provided, single submitter. Criteria: Ambry Variant Classification Scheme 2023. Collection method: clinical testing. Allele origin: germline.
Comment: The p.N1537D variant (also known as c.4609A>G), located in coding exon 1 of the SAMD9 gene, results from an A to G substitution at nucleotide position 4609. The asparagine at codon 1537 is replaced by aspartic acid, an amino acid with highly similar properties. This amino acid position is conserved. In addition, this alteration is predicted to be tolerated by in silico analysis. Based on the available evidence, the clinical significance of this variant remains unclear.

NM_017654.4(SAMD9):c.4609A>G (p.Asn1537Asp)

Gene: SAMD9 (sterile alpha motif domain containing 9; minus strand). Cytogenetic location: 7q21.2.
Variant type: single nucleotide variant.
Coding change: c.4609A>G on transcript NM_017654.4 (MANE Select); coding-DNA position 4609, A replaced by G.
Protein change: p.Asn1537Asp; replaces asparagine 1537 with aspartic acid.
Molecular consequence: missense variant.
Genome position (GRCh38, 1-based): chr7:93,101,489, T>C on the plus strand (A>G on the coding strand, the complement: SAMD9 is on the minus strand). VCF-style: chr7-93101489-T-C. GRCh37 (hg19) VCF-style: chr7-92730802-T-C.
Other names: c.4609A>G, p.Asn1537Asp (NM_001193307.2); short protein forms N1537D.
Identifiers: ClinVar variation 4159041 (VCV004159041.1).